The following is an entry in ClinVar:

NM_002979.5(SCP2):c.1349A>G (p.Gln450Arg)

Gene: SCP2 (sterol carrier protein 2; plus strand). Cytogenetic location: 1p32.3.
Variant type: single nucleotide variant.
Coding change: c.1349A>G on transcript NM_002979.5 (MANE Select); coding-DNA position 1349, A replaced by G.
Protein change: p.Gln450Arg; replaces glutamine 450 with arginine.
Molecular consequence: missense variant. On other transcripts: intron variant (1).
Genome position (GRCh38, 1-based): chr1:53,038,927, A>G. VCF-style: chr1-53038927-A-G. GRCh37 (hg19) VCF-style: chr1-53504599-A-G.
Other names: c.137A>G, p.Gln46Arg (NM_001007099.3); c.128A>G, p.Gln43Arg (NM_001007100.3); c.1277A>G, p.Gln426Arg (NM_001193599.2); c.1217A>G, p.Gln406Arg (NM_001193600.2); c.1106A>G, p.Gln369Arg (NM_001193617.2); c.127-8931A>G (NM_001007250.3); short protein forms Q426R, Q450R, Q369R, Q43R, Q406R, Q46R.
Identifiers: ClinVar variation 1901638 (VCV001901638.5), dbSNP rs982766270, ClinGen allele CA22576012.
Genomic context (GRCh38, chr1:53,038,927, plus strand): 5'-AAGCCAGAGAAATGGACTTAATGTAACCCCAGTGTTATTTTTCTTTCCAGGAAGGGGAAC[A>G]GTTTGTGAAGAAAATCGGTGGTATTTTTGCCTTCAAGGTGAAAGATGGCCCTGGGGGTAA-3'
Protein context (NP_002970.2, residues 440-460): IEKKLEEEGE[Gln450Arg]FVKKIGGIFA

ClinVar aggregate classification (germline): Uncertain significance (1 of 4 stars; one submission).

Allele frequency attached by ClinVar (database versions not stated): gnomAD exomes below 0.00001.
gnomAD v4.1: 2 of 1,614,082 alleles (0.00012%); highest among the groups gnomAD compares: Non-Finnish European, 0.00017%; no homozygotes.

Submission:

Labcorp Genetics (formerly Invitae), Labcorp
Classification: Uncertain significance. Last evaluated: 2022-01-19. Review status: criteria provided, single submitter. Criteria: Invitae Variant Classification Sherloc (09022015). Collection method: clinical testing. Allele origin: germline.
Comment: This sequence change replaces glutamine, which is neutral and polar, with arginine, which is basic and polar, at codon 450 of the SCP2 protein (p.Gln450Arg). This variant is not present in population databases (gnomAD no frequency). This variant has not been reported in the literature in individuals affected with SCP2-related conditions. Algorithms developed to predict the effect of missense changes on protein structure and function (SIFT, PolyPhen-2, Align-GVGD) all suggest that this variant is likely to be tolerated. In summary, the available evidence is currently insufficient to determine the role of this variant in disease. Therefore, it has been classified as a Variant of Uncertain Significance.